The following is an entry in ClinVar:

NM_006231.4(POLE):c.6647T>C (p.Leu2216Pro)

Gene: POLE (DNA polymerase epsilon, catalytic subunit; minus strand). Cytogenetic location: 12q24.33.
Variant type: single nucleotide variant.
Coding change: c.6647T>C on transcript NM_006231.4 (MANE Select); coding-DNA position 6647, T replaced by C.
Protein change: p.Leu2216Pro; replaces leucine 2216 with proline.
Molecular consequence: missense variant.
Genome position (GRCh38, 1-based): chr12:132,625,655, A>G on the plus strand (T>C on the coding strand, the complement: POLE is on the minus strand). VCF-style: chr12-132625655-A-G. GRCh37 (hg19) VCF-style: chr12-133202241-A-G.
Other names: c.6647T>C (NM_006231.2); short protein forms L2216P.
Identifiers: ClinVar variation 1479546 (VCV001479546.9), dbSNP rs2138427360, ClinGen allele CA387366432.

ClinVar aggregate classification (germline): Uncertain significance. Review status: criteria provided, multiple submitters, no conflicts (2 of 4 stars). 2 submissions from 2 submitters: Uncertain significance (2). Last evaluated 2025-08-21.

Conditions:
Hereditary cancer-predisposing syndrome. Also called: Tumor predisposition; Hereditary Cancer Syndrome; Hereditary neoplastic syndrome; Neoplastic Syndromes, Hereditary. Identifiers: Orphanet 140162, MedGen C0027672, MeSH D009386, MONDO:0015356.

Submissions (2):

Ambry Genetics
Classification: Uncertain significance for Hereditary cancer-predisposing syndrome. Last evaluated: 2025-08-21. Review status: criteria provided, single submitter. Criteria: Ambry Variant Classification Scheme 2023. Collection method: clinical testing. Allele origin: germline.
Comment: The p.L2216P variant (also known as c.6647T>C), located in coding exon 47 of the POLE gene, results from a T to C substitution at nucleotide position 6647. The leucine at codon 2216 is replaced by proline, an amino acid with similar properties. This amino acid position is highly conserved in available vertebrate species. In addition, this alteration is predicted to be deleterious by in silico analysis. Based on the available evidence, the clinical significance of this variant remains unclear.

Labcorp Genetics (formerly Invitae), Labcorp
Classification: Uncertain significance. Last evaluated: 2021-04-05. Review status: criteria provided, single submitter. Criteria: Invitae Variant Classification Sherloc (09022015). Collection method: clinical testing. Allele origin: germline.
Comment: In summary, the available evidence is currently insufficient to determine the role of this variant in disease. Therefore, it has been classified as a Variant of Uncertain Significance. Algorithms developed to predict the effect of missense changes on protein structure and function are either unavailable or do not agree on the potential impact of this missense change (SIFT: "Deleterious"; PolyPhen-2: "Possibly Damaging"; Align-GVGD: "Class C0"). This variant has not been reported in the literature in individuals with POLE-related conditions. This variant is not present in population databases (ExAC no frequency). This sequence change replaces leucine with proline at codon 2216 of the POLE protein (p.Leu2216Pro). The leucine residue is moderately conserved and there is a moderate physicochemical difference between leucine and proline.